The following is an entry in ClinVar:

NM_199420.4(POLQ):c.1915A>G (p.Met639Val)

Gene: POLQ (DNA polymerase theta; minus strand). Cytogenetic location: 3q13.33.
Variant type: single nucleotide variant.
Coding change: c.1915A>G on transcript NM_199420.4 (MANE Select); coding-DNA position 1915, A replaced by G.
Protein change: p.Met639Val; replaces methionine 639 with valine.
Molecular consequence: missense variant.
Genome position (GRCh38, 1-based): chr3:121,509,605, T>C on the plus strand (A>G on the coding strand, the complement: POLQ is on the minus strand). VCF-style: chr3-121509605-T-C. GRCh37 (hg19) VCF-style: chr3-121228452-T-C.
Other names: short protein forms M639V.
Identifiers: ClinVar variation 1782569 (VCV001782569.3), dbSNP rs2048236380, ClinGen allele CA354113428.

ClinVar aggregate classification (germline): Uncertain significance (1 of 4 stars; one submission).

Allele frequency attached by ClinVar (database versions not stated): TOPMed below 0.00001.

Submission:

Ambry Genetics
Classification: Uncertain significance. Last evaluated: 2023-08-25. Review status: criteria provided, single submitter. Criteria: Ambry Variant Classification Scheme 2023. Collection method: clinical testing. Allele origin: germline.
Comment: The p.M639V variant (also known as c.1915A>G), located in coding exon 12 of the POLQ gene, results from an A to G substitution at nucleotide position 1915. The methionine at codon 639 is replaced by valine, an amino acid with highly similar properties. This amino acid position is conserved. In addition, this alteration is predicted to be tolerated by in silico analysis. Since supporting evidence is limited at this time, the clinical significance of this alteration remains unclear.